The following is an entry in ClinVar:

NM_014991.6(WDFY3):c.4142G>A (p.Arg1381Gln)

Gene: WDFY3 (WD repeat and FYVE domain containing 3; minus strand). Cytogenetic location: 4q21.23.
Variant type: single nucleotide variant.
Coding change: c.4142G>A on transcript NM_014991.6 (MANE Select); coding-DNA position 4142, G replaced by A.
Protein change: p.Arg1381Gln; replaces arginine 1381 with glutamine.
Molecular consequence: missense variant.
Genome position (GRCh38, 1-based): chr4:84,782,995, C>T on the plus strand (G>A on the coding strand, the complement: WDFY3 is on the minus strand). VCF-style: chr4-84782995-C-T. GRCh37 (hg19) VCF-style: chr4-85704148-C-T.
Other names: short protein forms R1381Q.
Identifiers: ClinVar variation 3774024 (VCV003774024.1).

ClinVar aggregate classification (germline): Uncertain significance (1 of 4 stars; one submission).

gnomAD v4.1: 4 of 1,614,094 alleles (0.00025%); highest among the groups gnomAD compares: African/African-American, 0.0013%; no homozygotes.

Submission:

GeneDx
Classification: Uncertain significance. Last evaluated: 2024-09-20. Review status: criteria provided, single submitter. Criteria: GeneDx Variant Classification Process June 2021. Collection method: clinical testing. Allele origin: germline. Affected: yes.
Comment: Not observed at significant frequency in large population cohorts (gnomAD); In silico analysis supports that this missense variant has a deleterious effect on protein structure/function; Has not been previously published as pathogenic or benign to our knowledge